The following is an entry in ClinVar:

NM_003128.3(SPTBN1):c.474+1G>T

Gene: SPTBN1 (spectrin beta, non-erythrocytic 1; plus strand). Cytogenetic location: 2p16.2.
Variant type: single nucleotide variant.
Coding change: c.474+1G>T on transcript NM_003128.3 (MANE Select); the canonical splice donor site of the intron after coding-DNA position 474, G replaced by T.
Molecular consequence: splice donor variant.
Genome position (GRCh38, 1-based): chr2:54,612,335, G>T. VCF-style: chr2-54612335-G-T. GRCh37 (hg19) VCF-style: chr2-54839472-G-T.
Other names: c.435+1G>T (NM_178313.3).
Identifiers: ClinVar variation 4294060 (VCV004294060.2).

ClinVar aggregate classification (germline): Conflicting classifications of pathogenicity. Review status: criteria provided, conflicting classifications (1 of 4 stars). 2 submissions from 2 submitters: Likely pathogenic (1); Uncertain significance (1). Last evaluated 2025-08-09.

Conditions:
Developmental delay, impaired speech, and behavioral abnormalities. Identifiers: MedGen C5561957, MONDO:0859178, OMIM 619475.

Submissions (2):

Laboratorio de Genetica e Diagnostico Molecular, Hospital Israelita Albert Einstein
Classification: Uncertain significance for Developmental delay, impaired speech, and behavioral abnormalities. Last evaluated: 2025-08-09. Review status: criteria provided, single submitter. Criteria: ACMG Guidelines, 2015. Collection method: clinical testing. Allele origin: germline. Affected: yes.
Comment: ACMG classification criteria: PVS1 moderate, PM2 supporting

3billion
Classification: Likely pathogenic for Developmental delay, impaired speech, and behavioral abnormalities. Last evaluated: 2024-08-09. Review status: criteria provided, single submitter. Criteria: ACMG Guidelines, 2015. Collection method: clinical testing. Allele origin: germline. Affected: yes.
Comment: The variant is not observed in the gnomAD v4.0.0 dataset. Predicted Consequence/Location: Canonical splice site: predicted to alter splicing and result in a loss or disruption of normal protein function. Multiple pathogenic loss-of-function variants are reported downstream of the variant. In silico tools predict the variant to alter splicing and produce an abnormal transcript [SpliceAI: 1.00 (spliceogenicity >=0.2, non-spliceogenicity <0.1)]. Therefore, this variant is classified as Likely pathogenic according to the recommendation of ACMG/AMP guideline.